The following is an entry in ClinVar:

ClinVar aggregate classification (germline): Benign. Review status: criteria provided, multiple submitters, no conflicts (2 of 4 stars). 2 submissions from 2 submitters: Benign (2). Last evaluated 2018-06-14.

Allele frequency attached by ClinVar (database versions not stated): 1000 Genomes Project 0.35523; 1000 Genomes Project 30x 0.35618; TOPMed 0.38326; gnomAD 0.39577.
gnomAD v4.1: 60,495 of 152,102 alleles (40%); highest among the groups gnomAD compares: South Asian, 52%; 12,606 homozygotes.

Submissions (2):

GeneDx
Classification: Benign. Last evaluated: 2018-06-14. Review status: criteria provided, single submitter. Criteria: GeneDx Variant Classification (06012015). Collection method: clinical testing. Allele origin: germline. Affected: yes.
Comment: This variant is considered likely benign or benign based on one or more of the following criteria: it is a conservative change, it occurs at a poorly conserved position in the protein, it is predicted to be benign by multiple in silico algorithms, and/or has population frequency not consistent with disease.

Breakthrough Genomics
Classification: Benign. Review status: criteria provided, single submitter. Criteria: ACMG Guidelines, 2015. Collection method: not provided. Allele origin: germline. Inheritance: Autosomal recessive inheritance. Affected: yes.

NM_001258392.3(CLPB):c.1786-176C>T

Gene: CLPB (ClpB family mitochondrial disaggregase; minus strand). Cytogenetic location: 11q13.4.
Variant type: single nucleotide variant.
Coding change: c.1786-176C>T on transcript NM_001258392.3 (MANE Select); 176 bases into the intron before coding-DNA position 1786, C replaced by T.
Molecular consequence: intron variant.
Genome position (GRCh38, 1-based): chr11:72,293,791, G>A on the plus strand (C>T on the coding strand, the complement: CLPB is on the minus strand). VCF-style: chr11-72293791-G-A. GRCh37 (hg19) VCF-style: chr11-72004835-G-A.
Other names: c.1699-176C>T (NM_001258393.3); c.1876-176C>T (NM_030813.6); c.1741-176C>T (NM_001258394.3).
Identifiers: ClinVar variation 683471 (VCV000683471.2), dbSNP rs12793524, ClinGen allele CA13421570.